The following is an entry in ClinVar:

ClinVar aggregate classification (germline): Uncertain significance (1 of 4 stars; one submission).

Conditions:
CEP290-related disorder. Also called: CEP290-related disorders; CEP290-related condition. Identifiers: MedGen CN239314.

gnomAD v4.1: 5 of 1,512,560 alleles (0.00033%); highest among the groups gnomAD compares: Non-Finnish European, 0.00035%; no homozygotes.

Submission:

PreventionGenetics, part of Exact Sciences
Classification: Uncertain significance for CEP290-related condition. Last evaluated: 2025-01-24. Review status: criteria provided, single submitter. Criteria: ACMG Guidelines, 2015. Collection method: clinical testing. Allele origin: germline.
Comment: The CEP290 c.1007A>G variant is predicted to result in the amino acid substitution p.Glu336Gly. To our knowledge, this variant has not been reported in the literature. This variant is reported in 0.0029% of alleles in individuals of European (Non-Finnish) descent in gnomAD. At this time, the clinical significance of this variant is uncertain due to the absence of conclusive functional and genetic evidence.

NM_025114.4(CEP290):c.1007A>G (p.Glu336Gly)

Gene: CEP290 (centrosomal protein 290; minus strand). Cytogenetic location: 12q21.32.
Variant type: single nucleotide variant.
Coding change: c.1007A>G on transcript NM_025114.4 (MANE Select); coding-DNA position 1007, A replaced by G.
Protein change: p.Glu336Gly; replaces glutamic acid 336 with glycine.
Molecular consequence: missense variant.
Genome position (GRCh38, 1-based): chr12:88,126,374, T>C on the plus strand (A>G on the coding strand, the complement: CEP290 is on the minus strand). VCF-style: chr12-88126374-T-C. GRCh37 (hg19) VCF-style: chr12-88520151-T-C.
Other names: short protein forms E336G.
Identifiers: ClinVar variation 3355260 (VCV003355260.2).